The following is an entry in ClinVar:

ClinVar aggregate classification (germline): Benign. Review status: criteria provided, multiple submitters, no conflicts (2 of 4 stars). 5 submissions from 5 submitters: Benign (4). 1 of the submissions does not count toward it. Last evaluated 2026-02-04.

Conditions:
FOCAD-related disorder. Also called: FOCAD-related condition.

Allele frequency attached by ClinVar (database versions not stated): gnomAD exomes 0.72867 and 0.74241; ExAC 0.74239; ESP Exome Variant Server 0.74296; TOPMed 0.75176; gnomAD 0.75230 and 0.75263; 1000 Genomes Project 0.76857; 1000 Genomes Project 30x 0.76905.
gnomAD v4.1: 1,144,319 of 1,565,126 alleles (73%); highest among the groups gnomAD compares: East Asian, 92%; 420,285 homozygotes.

Submissions (5):

Labcorp Genetics (formerly Invitae), Labcorp
Classification: Benign. Last evaluated: 2026-02-04. Review status: criteria provided, single submitter. Criteria: Invitae Variant Classification Sherloc (09022015). Collection method: clinical testing. Allele origin: germline.

GeneDx
Classification: Benign. Last evaluated: 2019-06-14. Review status: criteria provided, single submitter. Criteria: GeneDx Variant Classification Process June 2021. Collection method: clinical testing. Allele origin: germline. Affected: yes.

Laboratory for Molecular Medicine, Mass General Brigham Personalized Medicine
Classification: Benign. Last evaluated: 2016-03-29. Review status: criteria provided, single submitter. Criteria: LMM Criteria. Collection method: clinical testing. Allele origin: germline.
Comment: Variant identified in a genome or exome case(s) and assessed due to predicted null impact of the variant or pathogenic assertions in the literature or databases. Disclaimer: This variant has not undergone full assessment. The following are preliminary notes: Frequency

Breakthrough Genomics
Classification: Benign. Review status: criteria provided, single submitter. Criteria: ACMG Guidelines, 2015. Collection method: not provided. Allele origin: germline. Inheritance: Autosomal recessive inheritance. Affected: yes.

PreventionGenetics, part of Exact Sciences
Classification: Benign for FOCAD-related condition. Last evaluated: 2019-10-17. Review status: no assertion criteria provided. Collection method: clinical testing. Allele origin: germline. Not counted in ClinVar's aggregate classification.
Comment: This variant is classified as benign based on ACMG/AMP sequence variant interpretation guidelines (Richards et al. 2015 PMID: 25741868, with internal and published modifications).

NM_001375567.1(FOCAD):c.5002A>G (p.Lys1668Glu)

Gene: FOCAD (focadhesin; plus strand). Cytogenetic location: 9p21.3.
Variant type: single nucleotide variant.
Coding change: c.5002A>G on transcript NM_001375567.1 (MANE Select); coding-DNA position 5002, A replaced by G.
Protein change: p.Lys1668Glu; replaces lysine 1668 with glutamic acid.
Molecular consequence: missense variant.
Genome position (GRCh38, 1-based): chr9:20,988,427, A>G. VCF-style: chr9-20988427-A-G. GRCh37 (hg19) VCF-style: chr9-20988426-A-G.
Other names: c.4897A>G, p.Lys1633Glu (NM_001375568.1, NM_001375570.1); c.5002A>G, p.Lys1668Glu (NM_017794.5); short protein forms K1668E, K1633E.
Identifiers: ClinVar variation 402873 (VCV000402873.11), dbSNP rs4977881, ClinGen allele CA5008144.